The following is an entry in ClinVar:

NM_153240.5(NPHP3):c.2571_2574del

Genes: NPHP3 (nephrocystin 3; minus strand), NPHP3-ACAD11 (NPHP3-ACAD11 readthrough (NMD candidate); minus strand). Cytogenetic location: 3q22.1.
Variant type: Deletion.
Coding change: c.2571_2574del on transcript NM_153240.5 (MANE Select); coding-DNA positions 2571 to 2574, 4 bases deleted (TCAG; older notation c.2571_2574delTCAG).
Molecular consequence: splice acceptor variant.
Genome position (GRCh38, 1-based): chr3:132,690,647-132,690,650, CTGA deleted on the plus strand (TCAG on the coding strand, the reverse complement: NPHP3 is on the minus strand); deleting any 4 consecutive bases within chr3:132,690,647-132,690,652 gives the same sequence; the c. name uses the placement nearest the transcript's 3' end. VCF-style (leftmost placement, unchanged base first): chr3-132690646-CCTGA-C. GRCh37 (hg19) VCF-style: chr3-132409490-CCTGA-C.
Other names: p.Ser857ArgfsTer4.
Identifiers: ClinVar variation 4280324 (VCV004280324.1).

ClinVar aggregate classification (germline): Pathogenic (1 of 4 stars; one submission).

Conditions:
Nephronophthisis 3 (NPHP3). Also called: Adolescent nephronophthisis. Identifiers: Orphanet 655, MedGen C1858392, MONDO:0011456, OMIM 604387.

Submission:

Molecular Genetics and NGS Laboratory, Hospital Fundacion Valle Del Lili
Classification: Pathogenic for Nephronophthisis 3. Last evaluated: 2025-10-13. Review status: criteria provided, single submitter. Criteria: ACMG Guidelines, 2015. Collection method: clinical testing. Allele origin: unknown. Inheritance: Autosomal recessive inheritance. Affected: yes. Observed: 1 variant allele, 1 homozygote.
Comment: The variant is classified as pathogenic according to the ACMG criteria PVS1, PM2, and PP4: PVS1: Null variant (frameshift) in the NPHP3 gene, predicted to cause nonsense-mediated decay (NMD). Loss of function is a known disease mechanism, as the gene has 144 reported pathogenic loss-of-function variants. The truncated region contains 65 pathogenic variants. PM2: Variant not found in gnomAD genomes, with adequate gnomAD genome coverage (31.3×). The gnomAD exome homozygous allele count is 0, which is less than 2 for the autosomal recessive NPHP3 gene, with adequate gnomAD exome coverage (30.7×).